The following is an entry in ClinVar:

NM_022489.4(INF2):c.2458C>T (p.Arg820Trp)

Gene: INF2 (inverted formin 2; plus strand). Cytogenetic location: 14q32.33.
Variant type: single nucleotide variant.
Coding change: c.2458C>T on transcript NM_022489.4 (MANE Select); coding-DNA position 2458, C replaced by T.
Protein change: p.Arg820Trp; replaces arginine 820 with tryptophan.
Molecular consequence: missense variant.
Genome position (GRCh38, 1-based): chr14:104,711,668, C>T. VCF-style: chr14-104711668-C-T. GRCh37 (hg19) VCF-style: chr14-105178005-C-T.
Other names: p.Arg820Trp; c.2458C>T, p.Arg820Trp (NM_001031714.4); short protein forms R820W.
Identifiers: ClinVar variation 261608 (VCV000261608.89), dbSNP rs79327775, ClinGen allele CA7372941.

ClinVar aggregate classification (germline): Benign/Likely benign. Review status: criteria provided, multiple submitters, no conflicts (2 of 4 stars). 12 submissions from 12 submitters: Benign (5); Likely benign (5). 2 of the submissions do not count toward it. Last evaluated 2026-08-01.

Conditions:
Inborn genetic diseases. Identifiers: MedGen C0950123, MeSH D030342.
Charcot-Marie-Tooth disease dominant intermediate E. Also called: CHARCOT-MARIE-TOOTH NEUROPATHY WITH FOCAL SEGMENTAL GLOMERULONEPHRITIS. Identifiers: Orphanet 93114, MedGen C4302667, MONDO:0013758, OMIM 614455.
Focal segmental glomerulosclerosis 5 (FSGS5). Identifiers: Orphanet 656, MedGen C2750475, MONDO:0013191, OMIM 613237.

Allele frequency attached by ClinVar (database versions not stated): gnomAD exomes 0.00070; ExAC 0.00091; ESP Exome Variant Server 0.00193; gnomAD 0.00234 and 0.00247; TOPMed 0.00234; 1000 Genomes Project 0.00280; 1000 Genomes Project 30x 0.00312.
gnomAD v4.1: 943 of 1,612,460 alleles (0.058%); highest among the groups gnomAD compares: African/African-American, 0.75%; 5 homozygotes.

Submissions (12):

CeGaT Center for Human Genetics Tuebingen
Classification: Likely benign. Last evaluated: 2026-08-01. Review status: criteria provided, single submitter. Criteria: CeGaT Center For Human Genetics Tuebingen Variant Classification Criteria Version 2. Collection method: clinical testing. Allele origin: germline. Affected: yes. Observed: 3 variant alleles.
Comment: INF2: PP2, BP4, BS1

Labcorp Genetics (formerly Invitae), Labcorp
Classification: Benign for Charcot-Marie-Tooth disease dominant intermediate E; Focal segmental glomerulosclerosis 5. Last evaluated: 2026-01-25. Review status: criteria provided, single submitter. Criteria: Invitae Variant Classification Sherloc (09022015). Collection method: clinical testing. Allele origin: germline.

Blueprint Genetics
Classification: Likely benign. Last evaluated: 2024-10-03. Review status: criteria provided, single submitter. Criteria: ACMG Guidelines, 2015. Collection method: clinical testing. Allele origin: germline.

Mayo Clinic Laboratories, Mayo Clinic
Classification: Benign. Last evaluated: 2021-04-29. Review status: criteria provided, single submitter. Criteria: ACMG Guidelines, 2015. Collection method: clinical testing. Allele origin: germline. Observed: 4 variant alleles.

ARUP Laboratories, Molecular Genetics and Genomics, ARUP Laboratories
Classification: Likely benign. Last evaluated: 2020-01-09. Review status: criteria provided, single submitter. Criteria: ARUP Molecular Germline Variant Investigation Process. Collection method: clinical testing. Allele origin: germline.

Ambry Genetics
Classification: Likely benign for Inborn genetic diseases. Last evaluated: 2019-08-30. Review status: criteria provided, single submitter. Criteria: Ambry Variant Classification Scheme 2023. Collection method: clinical testing. Allele origin: germline.

GeneDx
Classification: Benign. Last evaluated: 2019-05-14. Review status: criteria provided, single submitter. Criteria: GeneDx Variant Classification Process June 2021. Collection method: clinical testing. Allele origin: germline. Affected: yes.

Illumina Laboratory Services, Illumina
Classification: Benign for Focal segmental glomerulosclerosis 5. Last evaluated: 2018-01-13. Review status: criteria provided, single submitter. Criteria: ICSL Variant Classification Criteria 13 December 2019. Collection method: clinical testing. Allele origin: germline.
Comment: This variant was observed in the ICSL laboratory as part of a predisposition screen in an ostensibly healthy population. It had not been previously curated by ICSL or reported in the Human Gene Mutation Database (HGMD: prior to June 1st, 2018), and was therefore a candidate for classification through an automated scoring system. Utilizing variant allele frequency, disease prevalence and penetrance estimates, and inheritance mode, an automated score was calculated to assess if this variant is too frequent to cause the disease. Based on the score and internal cut-off values, a variant classified as benign is not then subjected to further curation. The score for this variant resulted in a classification of benign for this disease.

Breakthrough Genomics
Classification: Likely benign. Review status: criteria provided, single submitter. Criteria: ACMG Guidelines, 2015. Collection method: not provided. Allele origin: germline. Inheritance: Autosomal dominant inheritance. Affected: yes.

PreventionGenetics, part of Exact Sciences
Classification: Benign. Review status: criteria provided, single submitter. Criteria: ACMG Guidelines, 2015. Collection method: clinical testing. Allele origin: germline.

Clinical Genetics, Academic Medical Center
Classification: Likely benign. Review status: no assertion criteria provided. Collection method: clinical testing. Allele origin: germline. Affected: yes. Study: VKGL Data-share Consensus. Not counted in ClinVar's aggregate classification.

Diagnostic Laboratory, Department of Genetics, University Medical Center Groningen
Classification: Likely benign. Review status: no assertion criteria provided. Collection method: clinical testing. Allele origin: germline. Affected: yes. Study: VKGL Data-share Consensus. Not counted in ClinVar's aggregate classification.